The following is an entry in ClinVar:

NM_001127464.1:c.3446G>T

Gene: ZNF469 (zinc finger protein 469; plus strand).
Variant type: single nucleotide variant.
Identifiers: ClinVar variation 4615461 (VCV004615461.1).

ClinVar aggregate classification (germline): Uncertain significance (1 of 4 stars; one submission).

Conditions:
Cardiovascular phenotype. Identifiers: MedGen CN230736.

Submission:

Ambry Genetics
Classification: Uncertain significance for Cardiovascular phenotype. Last evaluated: 2025-10-14. Review status: criteria provided, single submitter. Criteria: Ambry Variant Classification Scheme 2023. Collection method: clinical testing. Allele origin: germline.
Comment: The p.S1149I variant (also known as c.3446G>T), located in coding exon 2 of the ZNF469 gene, results from a G to T substitution at nucleotide position 3446. The serine at codon 1149 is replaced by isoleucine, an amino acid with dissimilar properties. This amino acid position is conserved. In addition, this alteration is predicted to be tolerated by in silico analysis. Based on the available evidence, the clinical significance of this variant remains unclear.